The following is an entry in ClinVar:

NM_000353.3(TAT):c.355del (p.Arg119fs)

Gene: TAT (tyrosine aminotransferase; minus strand). Cytogenetic location: 16q22.2.
Variant type: Deletion.
Coding change: c.355del on transcript NM_000353.3 (MANE Select); coding-DNA position 355, one base deleted (C; older notation c.355delC).
Protein change: p.Arg119fs; shifts the reading frame from arginine 119.
Molecular consequence: frameshift variant.
Genome position (GRCh38, 1-based): chr16:71,573,592, G deleted on the plus strand (C on the coding strand, the reverse complement: TAT is on the minus strand). VCF-style (leftmost placement, unchanged base first): chr16-71573591-CG-C. GRCh37 (hg19) VCF-style: chr16-71607494-CG-C.
Other names: short protein forms R119fs.
Identifiers: ClinVar variation 5012921 (VCV005012921.1).

ClinVar aggregate classification (germline): Pathogenic (1 of 4 stars; one submission).

Conditions:
Tyrosinemia type II (TYRSN2). Also called: KERATOSIS PALMOPLANTARIS WITH CORNEAL DYSTROPHY; OREGON TYPE TYROSINEMIA; TAT DEFICIENCY; TYROSINE AMINOTRANSFERASE DEFICIENCY; TYROSINE TRANSAMINASE DEFICIENCY. Identifiers: Orphanet 28378, MedGen C0268487, MONDO:0010160, OMIM 276600.

Submission:

Myriad Genetics, Inc.
Classification: Pathogenic for Tyrosinemia type II. Last evaluated: 2024-04-16. Review status: criteria provided, single submitter. Criteria: Myriad Autosomal Dominant, Autosomal Recessive and X-Linked Classification Criteria (2023). Collection method: clinical testing. Allele origin: unknown.
Comment: NM_000353.2(TAT):c.355delC(R119Gfs*15) is expected to be pathogenic in the context of tyrosinemia type II. This variant is predicted to lead to an abnormal or absent protein product due to the creation of a premature termination codon in TAT, a gene where loss-of-function variants are known to be pathogenic. Please note: this variant was assessed in the context of healthy population screening.